The following is an entry in ClinVar:

ClinVar aggregate classification (germline): Uncertain significance (1 of 4 stars; one submission).

gnomAD v4.1: 1 of 1,613,314 alleles (0.000062%); highest among the groups gnomAD compares: Non-Finnish European, 0.000085%; no homozygotes.

Submission:

Labcorp Genetics (formerly Invitae), Labcorp
Classification: Uncertain significance. Last evaluated: 2023-05-30. Review status: criteria provided, single submitter. Criteria: Invitae Variant Classification Sherloc (09022015). Collection method: clinical testing. Allele origin: germline.
Comment: This variant has not been reported in the literature in individuals affected with COL9A3-related conditions. This variant is not present in population databases (gnomAD no frequency). This sequence change replaces arginine, which is basic and polar, with glycine, which is neutral and non-polar, at codon 471 of the COL9A3 protein (p.Arg471Gly). In summary, the available evidence is currently insufficient to determine the role of this variant in disease. Therefore, it has been classified as a Variant of Uncertain Significance. Advanced modeling of protein sequence and biophysical properties (such as structural, functional, and spatial information, amino acid conservation, physicochemical variation, residue mobility, and thermodynamic stability) performed at Invitae indicates that this missense variant is not expected to disrupt COL9A3 protein function.

NM_001853.4(COL9A3):c.1411C>G (p.Arg471Gly)

Genes: COL9A3 (collagen type IX alpha 3 chain; plus strand), LOC126863084 (MED14-independent group 3 enhancer GRCh37_chr20:61467141-61468340; plus strand). Cytogenetic location: 20q13.33.
Variant type: single nucleotide variant.
Coding change: c.1411C>G on transcript NM_001853.4 (MANE Select); coding-DNA position 1411, C replaced by G.
Protein change: p.Arg471Gly; replaces arginine 471 with glycine.
Molecular consequence: missense variant.
Genome position (GRCh38, 1-based): chr20:62,836,196, C>G. VCF-style: chr20-62836196-C-G. GRCh37 (hg19) VCF-style: chr20-61467548-C-G.
Other names: short protein forms R471G.
Identifiers: ClinVar variation 2751388 (VCV002751388.3), dbSNP rs747896279, ClinGen allele CA409596926.